The following is an entry in ClinVar:

NM_017612.5(ZCCHC8):c.671+5G>A

Gene: ZCCHC8 (zinc finger CCHC-type containing 8; minus strand). Cytogenetic location: 12q24.31.
Variant type: single nucleotide variant.
Coding change: c.671+5G>A on transcript NM_017612.5 (MANE Select); 5 bases into the intron after coding-DNA position 671, G replaced by A.
Molecular consequence: intron variant.
Genome position (GRCh38, 1-based): chr12:122,483,274, C>T on the plus strand (G>A on the coding strand, the complement: ZCCHC8 is on the minus strand). VCF-style: chr12-122483274-C-T. GRCh37 (hg19) VCF-style: chr12-122967821-C-T.
Other names: c.-43-579G>A (NM_001350938.2, NM_001350937.2); c.502-1187G>A (NM_001350935.2); c.374+5G>A (NM_001350936.2).
Identifiers: ClinVar variation 1460524 (VCV001460524.6), dbSNP rs2137339361, ClinGen allele CA2573148045.

ClinVar aggregate classification (germline): Uncertain significance (1 of 4 stars; one submission).

Submission:

Labcorp Genetics (formerly Invitae), Labcorp
Classification: Uncertain significance. Last evaluated: 2020-12-28. Review status: criteria provided, single submitter. Criteria: Invitae Variant Classification Sherloc (09022015). Collection method: clinical testing. Allele origin: germline.
Comment: In summary, the available evidence is currently insufficient to determine the role of this variant in disease. Therefore, it has been classified as a Variant of Uncertain Significance. Nucleotide substitutions within the consensus splice site are a relatively common cause of aberrant splicing (PMID: 17576681, 9536098). Algorithms developed to predict the effect of sequence changes on RNA splicing suggest that this variant may disrupt the consensus splice site, but this prediction has not been confirmed by published transcriptional studies. This variant has not been reported in the literature in individuals with ZCCHC8-related conditions. This variant is not present in population databases (ExAC no frequency). This sequence change falls in intron 7 of the ZCCHC8 gene. It does not directly change the encoded amino acid sequence of the ZCCHC8 protein. It affects a nucleotide within the consensus splice site of the intron.

Literature cited by the submitters: PubMed 17576681; PubMed 9536098.